The following is an entry in ClinVar:

NM_001257180.2(SLC20A2):c.1288T>A (p.Tyr430Asn)

Gene: SLC20A2 (solute carrier family 20 member 2; minus strand). Cytogenetic location: 8p11.21.
Variant type: single nucleotide variant.
Coding change: c.1288T>A on transcript NM_001257180.2 (MANE Select); coding-DNA position 1288, T replaced by A.
Protein change: p.Tyr430Asn; replaces tyrosine 430 with asparagine.
Molecular consequence: missense variant.
Genome position (GRCh38, 1-based): chr8:42,437,224, A>T on the plus strand (T>A on the coding strand, the complement: SLC20A2 is on the minus strand). VCF-style: chr8-42437224-A-T. GRCh37 (hg19) VCF-style: chr8-42294742-A-T.
Other names: c.1288T>A (NM_006749.4, NM_006749.3); c.1288T>A, p.Tyr430Asn (NM_001257181.2, NM_006749.5); short protein forms Y430N.
Identifiers: ClinVar variation 3147974 (VCV003147974.6), dbSNP rs920439006, ClinGen allele CA176011102.

ClinVar aggregate classification (germline): Uncertain significance. Review status: criteria provided, multiple submitters, no conflicts (2 of 4 stars). 4 submissions from 4 submitters: Uncertain significance (4). Last evaluated 2025-02-26.

Conditions:
Inborn genetic diseases. Identifiers: MedGen C0950123, MeSH D030342.
Idiopathic basal ganglia calcification 1 (PFBC1A). Also called: Fahr's syndrome; Cerebral calcification nonarteriosclerotic idiopathic adult-onset; Striopallidodentate calcinosis autosomal dominant adult-onset; Ferrocalcinosis, cerebrovascular; Fahr disease, familial (formerly); Familial Idiopathic Basal Ganglia Calcification 3. Identifiers: Orphanet 1980, MedGen C4551624, MONDO:0024538, OMIM 213600.

Allele frequency attached by ClinVar (database versions not stated): TOPMed 0.00002.

Submissions (4):

Dasa
Classification: Uncertain significance. Last evaluated: 2025-02-26. Review status: criteria provided, single submitter. Criteria: DASA Assertion Criteria. Collection method: clinical testing. Allele origin: germline.
Comment: NM_001257180.2(SLC20A2):c.1288T>A (p.Tyr430Asn) is a missense variant that results in the substitution of tyrosine with asparagine. This variant is rare in population databases. Computational prediction algorithms are consistent with a deleterious effect. The currently available literature and clinical evidence are not sufficient to establish a definitive association between this variant and the reported condition. Therefore, this variant is classified as a variant of uncertain significance.

Ambry Genetics
Classification: Uncertain significance for Inborn genetic diseases. Last evaluated: 2024-09-08. Review status: criteria provided, single submitter. Criteria: Ambry Variant Classification Scheme 2023. Collection method: clinical testing. Allele origin: germline.

Institute of Human Genetics, University of Goettingen
Classification: Uncertain significance for Idiopathic basal ganglia calcification 1. Last evaluated: 2024-04-22. Review status: criteria provided, single submitter. Criteria: ACMG Guidelines, 2015. Collection method: clinical testing. Allele origin: unknown. Inheritance: Autosomal dominant inheritance. Observed: 1 heterozygote.
Comment: The variant c.1288T>A (p.(Tyr430Asn)) in exon 8 of the SLC20A2-gene is found at a very low frequency in the gnomAD database (< 0.001%), it affects a highly conserved nucleotide and a moderately conserved amino acid within a protein domain and there is a large physicochemical difference between Tyr and Asn. This variant has a pathogenic computational verdict based in silico prediction models. To our knowledge, this variant has not been described in the literature yet. ACMG criteria used for classification: PM2_sup, PP2, PP3.

GeneDx
Classification: Uncertain significance. Last evaluated: 2024-02-01. Review status: criteria provided, single submitter. Criteria: GeneDx Variant Classification Process June 2021. Collection method: clinical testing. Allele origin: germline. Affected: yes.
Comment: Not observed at significant frequency in large population cohorts (gnomAD); In silico analysis supports that this missense variant does not alter protein structure/function; Has not been previously published as pathogenic or benign to our knowledge